The following is an entry in ClinVar:

NM_006014.5(LAGE3):c.209C>T (p.Pro70Leu)

Gene: LAGE3 (L antigen family member 3; minus strand). Cytogenetic location: Xq28.
Variant type: single nucleotide variant.
Coding change: c.209C>T on transcript NM_006014.5 (MANE Select); coding-DNA position 209, C replaced by T.
Protein change: p.Pro70Leu; replaces proline 70 with leucine.
Molecular consequence: missense variant.
Genome position (GRCh38, 1-based): chrX:154,478,391, G>A on the plus strand (C>T on the coding strand, the complement: LAGE3 is on the minus strand). VCF-style: chrX-154478391-G-A. GRCh37 (hg19) VCF-style: chrX-153706730-G-A.
Other names: short protein forms P70L.
Identifiers: ClinVar variation 3341335 (VCV003341335.1).
Genomic context (GRCh38, chrX:154,478,391, plus strand): 5'-TGGTGGGGCTCGGCATCTGGTGCCAGGGACCCATGGGCGATTTCCGCCTCCAAGGGGGTC[G>A]GGAAAGGCACGCTGAGGGTGCTGGGGGTCATTCGGTTAAGGTGCCATCTGATACGATCTT-3'
Protein context (NP_006005.2, residues 60-80): PHIFTLSVPF[Pro70Leu]TPLEAEIAHG

ClinVar aggregate classification (germline): Uncertain significance (1 of 4 stars; one submission).

Conditions:
Galloway-Mowat syndrome 2, X-linked. Identifiers: MedGen C4538784, MONDO:0033006, OMIM 301006.

Submission:

Neuberg Centre For Genomic Medicine, NCGM
Classification: Uncertain significance for Galloway-Mowat syndrome 2, X-linked. Last evaluated: 2023-05-20. Review status: criteria provided, single submitter. Criteria: ACMG Guidelines, 2015. Collection method: clinical testing. Allele origin: germline. Inheritance: Autosomal recessive inheritance. Affected: yes.
Comment: The observed missense variant c.209C>T(p.Pro70Leu) in LAGE3 gene has not been reported previously as a pathogenic variant nor as a benign variant, to our knowledge. The c.209C>T variant is absent in gnomAD Exomes. The amino acid Proline at position 70 is changed to a Leucine changing protein sequence and it might alter its composition and physico-chemical properties. Computational evidence (Polyphen, SIFT and MutationTaster) predicts conflicting evidence on protein structure and function for this variant.The amino acid change p.Pro70Leu in LAGE3 is predicted as conserved by GERP++ and PhyloP across 100 vertebrates. For these reasons, this variant has been classified as Uncertain Significance.